The following is an entry in ClinVar:

ClinVar aggregate classification (germline): Uncertain significance (1 of 4 stars; one submission).

Conditions:
T-B+ severe combined immunodeficiency due to JAK3 deficiency. Also called: SCID, autosomal recessive, T-negative/B-positive type; SCID, T CELL-NEGATIVE, B CELL-POSITIVE, NK CELL-NEGATIVE. Identifiers: Orphanet 35078, MedGen C1833275, MONDO:0010938, OMIM 600802.

Allele frequency attached by ClinVar (database versions not stated): gnomAD exomes 0.00001 and 0.00002; TOPMed 0.00001.
gnomAD v4.1: 22 of 1,557,438 alleles (0.0014%); highest among the groups gnomAD compares: Admixed American, 0.0019%; no homozygotes.

Submission:

Labcorp Genetics (formerly Invitae), Labcorp
Classification: Uncertain significance for T-B+ severe combined immunodeficiency due to JAK3 deficiency. Last evaluated: 2024-03-16. Review status: criteria provided, single submitter. Criteria: Invitae Variant Classification Sherloc (09022015). Collection method: clinical testing. Allele origin: germline.
Comment: This sequence change replaces valine, which is neutral and non-polar, with methionine, which is neutral and non-polar, at codon 590 of the JAK3 protein (p.Val590Met). The frequency data for this variant in the population databases is considered unreliable, as metrics indicate poor data quality at this position in the gnomAD database. This variant has not been reported in the literature in individuals affected with JAK3-related conditions. ClinVar contains an entry for this variant (Variation ID: 965844). Advanced modeling of protein sequence and biophysical properties (such as structural, functional, and spatial information, amino acid conservation, physicochemical variation, residue mobility, and thermodynamic stability) performed at Invitae indicates that this missense variant is not expected to disrupt JAK3 protein function with a negative predictive value of 80%. In summary, the available evidence is currently insufficient to determine the role of this variant in disease. Therefore, it has been classified as a Variant of Uncertain Significance.

NM_000215.4(JAK3):c.1768G>A (p.Val590Met)

Gene: JAK3 (Janus kinase 3; minus strand). Cytogenetic location: 19p13.11.
Variant type: single nucleotide variant.
Coding change: c.1768G>A on transcript NM_000215.4 (MANE Select); coding-DNA position 1768, G replaced by A.
Protein change: p.Val590Met; replaces valine 590 with methionine.
Molecular consequence: missense variant.
Genome position (GRCh38, 1-based): chr19:17,837,147, C>T on the plus strand (G>A on the coding strand, the complement: JAK3 is on the minus strand). VCF-style: chr19-17837147-C-T. GRCh37 (hg19) VCF-style: chr19-17947956-C-T.
Other names: short protein forms V590M.
Identifiers: ClinVar variation 965844 (VCV000965844.8), dbSNP rs1040476469, ClinGen allele CA306131931.